The following is an entry in ClinVar:

NM_005445.4(SMC3):c.2102G>A (p.Arg701His)

Gene: SMC3 (structural maintenance of chromosomes 3; plus strand). Cytogenetic location: 10q25.2.
Variant type: single nucleotide variant.
Coding change: c.2102G>A on transcript NM_005445.4 (MANE Select); coding-DNA position 2102, G replaced by A.
Protein change: p.Arg701His; replaces arginine 701 with histidine.
Molecular consequence: missense variant.
Genome position (GRCh38, 1-based): chr10:110,596,536, G>A. VCF-style: chr10-110596536-G-A. GRCh37 (hg19) VCF-style: chr10-112356294-G-A.
Other names: short protein forms R701H.
Identifiers: ClinVar variation 2900961 (VCV002900961.3), dbSNP rs371216768, ClinGen allele CA5688104.
Genomic context (GRCh38, chr10:110,596,536, plus strand): 5'-ATGTTAGAAAAGCAGAAGAAGAACTAGGTGAACTTGAAGCAAAGCTCAATGAAAACCTGC[G>A]CAGAAATATTGAAAATATCTTTTTGTTTTGTGCATAGTGATAGATATTGTGGGGGAAGAA-3'
Protein context (NP_005436.1, residues 691-711): ELEAKLNENL[Arg701His]RNIERINNEI

ClinVar aggregate classification (germline): Uncertain significance (1 of 4 stars; one submission).

Conditions:
Cornelia de Lange syndrome 3 (CDLS3). Also called: SMC3-Related Cornelia de Lange Syndrome; CORNELIA DE LANGE SYNDROME 3 WITH OR WITHOUT MIDLINE BRAIN DEFECTS. Identifiers: Orphanet 199, MedGen C1853099, MONDO:0012555, OMIM 610759.

Allele frequency attached by ClinVar (database versions not stated): gnomAD 0.00001; gnomAD exomes 0.00001; TOPMed 0.00001; ExAC 0.00002; ESP Exome Variant Server 0.00008; 1000 Genomes Project 0.00020; 1000 Genomes Project 30x 0.00047.

Submission:

Labcorp Genetics (formerly Invitae), Labcorp
Classification: Uncertain significance for Cornelia de Lange syndrome 3. Last evaluated: 2023-07-25. Review status: criteria provided, single submitter. Criteria: Invitae Variant Classification Sherloc (09022015). Collection method: clinical testing. Allele origin: germline.
Comment: In summary, the available evidence is currently insufficient to determine the role of this variant in disease. Therefore, it has been classified as a Variant of Uncertain Significance. Advanced modeling of protein sequence and biophysical properties (such as structural, functional, and spatial information, amino acid conservation, physicochemical variation, residue mobility, and thermodynamic stability) performed at Invitae indicates that this missense variant is not expected to disrupt SMC3 protein function. This variant has not been reported in the literature in individuals affected with SMC3-related conditions. This variant is present in population databases (rs371216768, gnomAD 0.003%). This sequence change replaces arginine, which is basic and polar, with histidine, which is basic and polar, at codon 701 of the SMC3 protein (p.Arg701His).